The following is an entry in ClinVar:

ClinVar aggregate classification (germline): Conflicting classifications of pathogenicity. Review status: criteria provided, conflicting classifications (1 of 4 stars). 3 submissions from 3 submitters: Uncertain significance (2); Likely benign (1). Last evaluated 2024-09-20.

Conditions:
Inborn genetic diseases. Identifiers: MedGen C0950123, MeSH D030342.
Congenital myasthenic syndrome 8. Also called: MYASTHENIC SYNDROME, CONGENITAL, DUE TO AGRIN DEFICIENCY; Myasthenic syndrome, congenital, 8, with pre- and postsynaptic defects. Identifiers: Orphanet 590, MedGen C3808739, MONDO:0014052, OMIM 615120.

Allele frequency attached by ClinVar (database versions not stated): TOPMed below 0.00001; gnomAD 0.00001; gnomAD exomes 0.00002; ExAC 0.00004.
gnomAD v4.1: 30 of 1,610,074 alleles (0.0019%); highest among the groups gnomAD compares: Middle Eastern, 0.033%; no homozygotes.

Submissions (3):

3billion
Classification: Likely benign for Congenital myasthenic syndrome 8. Last evaluated: 2024-09-20. Review status: criteria provided, single submitter. Criteria: ACMG Guidelines, 2015. Collection method: clinical testing. Allele origin: germline. Affected: no.
Comment: The homozygous variant was found in patients diagnosed with another variant in a different gene, with no symptoms related to the gene containing the homozygous variant.

Ambry Genetics
Classification: Uncertain significance for Inborn genetic diseases. Last evaluated: 2023-03-24. Review status: criteria provided, single submitter. Criteria: Ambry Variant Classification Scheme 2023. Collection method: clinical testing. Allele origin: germline.

Labcorp Genetics (formerly Invitae), Labcorp
Classification: Uncertain significance for Congenital myasthenic syndrome 8. Last evaluated: 2022-05-27. Review status: criteria provided, single submitter. Criteria: Invitae Variant Classification Sherloc (09022015). Collection method: clinical testing. Allele origin: germline.
Comment: This sequence change replaces valine, which is neutral and non-polar, with methionine, which is neutral and non-polar, at codon 631 of the AGRN protein (p.Val631Met). The frequency data for this variant in the population databases is considered unreliable, as metrics indicate poor data quality at this position in the gnomAD database. This variant has not been reported in the literature in individuals affected with AGRN-related conditions. ClinVar contains an entry for this variant (Variation ID: 541160). Algorithms developed to predict the effect of missense changes on protein structure and function are either unavailable or do not agree on the potential impact of this missense change (SIFT: "Deleterious"; PolyPhen-2: "Probably Damaging"; Align-GVGD: "Class C0"). In summary, the available evidence is currently insufficient to determine the role of this variant in disease. Therefore, it has been classified as a Variant of Uncertain Significance.

NM_198576.4(AGRN):c.1891G>A (p.Val631Met)

Gene: AGRN (agrin; plus strand). Cytogenetic location: 1p36.33.
Variant type: single nucleotide variant.
Coding change: c.1891G>A on transcript NM_198576.4 (MANE Select); coding-DNA position 1891, G replaced by A.
Protein change: p.Val631Met; replaces valine 631 with methionine.
Molecular consequence: missense variant.
Genome position (GRCh38, 1-based): chr1:1,043,915, G>A. VCF-style: chr1-1043915-G-A. GRCh37 (hg19) VCF-style: chr1-979295-G-A.
Other names: c.1891G>A, p.Val631Met (NM_001305275.2); c.1576G>A, p.Val526Met (NM_001364727.2); short protein forms V631M, V526M.
Identifiers: ClinVar variation 541160 (VCV000541160.11), dbSNP rs748716996, ClinGen allele CA508373.